The following is an entry in ClinVar:

ClinVar aggregate classification (germline): Pathogenic (1 of 4 stars; one submission).

Conditions:
Hereditary breast ovarian cancer syndrome. Also called: BRCA1- and BRCA2-Associated Hereditary Breast and Ovarian Cancer; Hereditary breast and ovarian cancer; Hereditary breast and ovarian cancer syndrome (HBOC); Hereditary breast and ovarian cancer syndrome; Hereditary breast and/or ovarian cancer syndrome; Breast and ovarian cancer. Identifiers: Orphanet 145, MedGen C0677776, MeSH D061325, MONDO:0003582. Disease mechanism: loss of function.

Submission:

Labcorp Genetics (formerly Invitae), Labcorp
Classification: Pathogenic for Hereditary breast ovarian cancer syndrome. Last evaluated: 2023-11-01. Review status: criteria provided, single submitter. Criteria: Invitae Variant Classification Sherloc (09022015). Collection method: clinical testing. Allele origin: germline.
Comment: This sequence change creates a premature translational stop signal (p.Leu1522*) in the BRCA2 gene. It is expected to result in an absent or disrupted protein product. Loss-of-function variants in BRCA2 are known to be pathogenic (PMID: 20104584). This variant is not present in population databases (gnomAD no frequency). This variant has not been reported in the literature in individuals affected with BRCA2-related conditions. For these reasons, this variant has been classified as Pathogenic.

Literature cited by the submitters: PubMed 20104584.

NM_000059.4(BRCA2):c.4565T>A (p.Leu1522Ter)

Gene: BRCA2 (BRCA2 DNA repair associated; plus strand). Cytogenetic location: 13q13.1.
Variant type: single nucleotide variant.
Coding change: c.4565T>A on transcript NM_000059.4 (MANE Select); coding-DNA position 4565, T replaced by A.
Protein change: p.Leu1522Ter; replaces leucine 1522 with a stop codon.
Molecular consequence: nonsense. On other transcripts: non-coding transcript variant (1), intron variant (2).
Genome position (GRCh38, 1-based): chr13:32,338,920, T>A. VCF-style: chr13-32338920-T-A. GRCh37 (hg19) VCF-style: chr13-32913057-T-A.
Other names: c.4565T>A, p.Leu1522Ter (NM_001406719.1, NM_001406720.1); c.1909+5533T>A (NM_001406721.1); c.425-5638T>A (NM_001406722.1); short protein forms L1522*.
Identifiers: ClinVar variation 2699051 (VCV002699051.3), dbSNP rs1593902785, ClinGen allele CA387781846.